The following is an entry in ClinVar:

NM_000477.7(ALB):c.*19C>T

Gene: ALB (albumin; plus strand). Cytogenetic location: 4q13.3.
Variant type: single nucleotide variant.
Coding change: c.*19C>T on transcript NM_000477.7 (MANE Select); 19 bases downstream of the stop codon, C replaced by T.
Molecular consequence: 3 prime UTR variant.
Genome position (GRCh38, 1-based): chr4:73,420,317, C>T. VCF-style: chr4-73420317-C-T. GRCh37 (hg19) VCF-style: chr4-74286034-C-T.
Identifiers: ClinVar variation 906034 (VCV000906034.4), dbSNP rs61332165, ClinGen allele CA2959759.

ClinVar aggregate classification (germline): Benign (1 of 4 stars; one submission).

Conditions:
Hyperthyroxinemia, familial dysalbuminemic (FDAH). Also called: EUTHYROID HYPERTHYROXINEMIA 1. Identifiers: MedGen C0342185, MONDO:0014448, OMIM 615999.

Allele frequency attached by ClinVar (database versions not stated): gnomAD exomes 0.00077 and 0.00179; ExAC 0.00165; ESP Exome Variant Server 0.00246; gnomAD 0.00261 and 0.00276; TOPMed 0.00267; 1000 Genomes Project 0.00300; 1000 Genomes Project 30x 0.00344.

Submission:

Illumina Laboratory Services, Illumina
Classification: Benign for Hyperthyroxinemia, familial dysalbuminemic. Last evaluated: 2018-01-13. Review status: criteria provided, single submitter. Criteria: ICSL Variant Classification Criteria 13 December 2019. Collection method: clinical testing. Allele origin: germline.
Comment: This variant was observed in the ICSL laboratory as part of a predisposition screen in an ostensibly healthy population. It had not been previously curated by ICSL or reported in the Human Gene Mutation Database (HGMD: prior to June 1st, 2018), and was therefore a candidate for classification through an automated scoring system. Utilizing variant allele frequency, disease prevalence and penetrance estimates, and inheritance mode, an automated score was calculated to assess if this variant is too frequent to cause the disease. Based on the score and internal cut-off values, a variant classified as benign is not then subjected to further curation. The score for this variant resulted in a classification of benign for this disease.